The following is an entry in ClinVar:

ClinVar aggregate classification (germline): Benign. Review status: criteria provided, multiple submitters, no conflicts (2 of 4 stars). 4 submissions from 3 submitters: Benign (4). Last evaluated 2021-05-13.

Conditions:
Optic atrophy 3 (OPA3). Also called: OPTIC ATROPHY 3, AUTOSOMAL DOMINANT; Optic atrophy, cataract, and neurologic disorder; Optic atrophy 3 with cataract. Identifiers: Orphanet 67036, MedGen C1833809, MONDO:0008133, OMIM 165300.
3-Methylglutaconic aciduria type 3 (MGCA3). Also called: OPA3, AUTOSOMAL RECESSIVE; OPTIC ATROPHY 3, AUTOSOMAL RECESSIVE; Costeff Syndrome; OPA3-Related 3-Methylglutaconic Aciduria. Identifiers: Orphanet 67047, MedGen C0574084, MONDO:0009787, OMIM 258501.

Allele frequency attached by ClinVar (database versions not stated): gnomAD 0.57481 and 0.58619; TOPMed 0.58358; gnomAD exomes 0.61538; 1000 Genomes Project 30x 0.63039; 1000 Genomes Project 0.63798.
gnomAD v4.1: 89,173 of 152,150 alleles (59%); highest among the groups gnomAD compares: East Asian, 83%; 26,837 homozygotes.

Submissions (4):

GeneDx
Classification: Benign. Last evaluated: 2021-05-13. Review status: criteria provided, single submitter. Criteria: GeneDx Variant Classification Process June 2021. Collection method: clinical testing. Allele origin: germline. Affected: yes.

Illumina Laboratory Services, Illumina
Classification: Benign for Optic atrophy 3. Last evaluated: 2018-01-12. Review status: criteria provided, single submitter. Criteria: ICSL Variant Classification Criteria 13 December 2019. Collection method: clinical testing. Allele origin: germline.
Comment: This variant was observed in the ICSL laboratory as part of a predisposition screen in an ostensibly healthy population. It had not been previously curated by ICSL or reported in the Human Gene Mutation Database (HGMD: prior to June 1st, 2018), and was therefore a candidate for classification through an automated scoring system. Utilizing variant allele frequency, disease prevalence and penetrance estimates, and inheritance mode, an automated score was calculated to assess if this variant is too frequent to cause the disease. Based on the score and internal cut-off values, a variant classified as benign is not then subjected to further curation. The score for this variant resulted in a classification of benign for this disease.

Illumina Laboratory Services, Illumina
Classification: Benign for 3-Methylglutaconic aciduria type 3. Last evaluated: 2018-01-12. Review status: criteria provided, single submitter. Criteria: ICSL Variant Classification Criteria 13 December 2019. Collection method: clinical testing. Allele origin: germline.
Comment: the same text as in the submission from Illumina Laboratory Services, Illumina above.

Breakthrough Genomics
Classification: Benign. Review status: criteria provided, single submitter. Criteria: ACMG Guidelines, 2015. Collection method: not provided. Allele origin: germline. Inheritance: Autosomal recessive inheritance. Affected: yes.

NM_025136.4(OPA3):c.*6012A>G

Genes: OPA3 (outer mitochondrial membrane lipid metabolism regulator OPA3; minus strand), OPA3-RTN2 (OPA3-RTN2 readthrough; minus strand). Cytogenetic location: 19q13.32.
Variant type: single nucleotide variant.
Coding change: c.*6012A>G on transcript NM_025136.4 (MANE Select); 6012 bases downstream of the stop codon, A replaced by G.
Molecular consequence: 3 prime UTR variant. On other transcripts: intron variant (1).
Genome position (GRCh38, 1-based): chr19:45,547,502, T>C on the plus strand (A>G on the coding strand, the complement: OPA3 is on the minus strand). VCF-style: chr19-45547502-T-C. GRCh37 (hg19) VCF-style: chr19-46050760-T-C.
Other names: c.143-18046A>G (NM_001017989.3).
Identifiers: ClinVar variation 329574 (VCV000329574.9), dbSNP rs11083772, ClinGen allele CA10642971.